The following is an entry in ClinVar:

NM_000548.5(TSC2):c.154T>G (p.Cys52Gly)

Gene: TSC2 (TSC complex subunit 2; plus strand). Cytogenetic location: 16p13.3.
Variant type: single nucleotide variant.
Coding change: c.154T>G on transcript NM_000548.5 (MANE Select); coding-DNA position 154, T replaced by G.
Protein change: p.Cys52Gly; replaces cysteine 52 with glycine.
Molecular consequence: missense variant. On other transcripts: 5 prime UTR variant (20), non-coding transcript variant (5).
Genome position (GRCh38, 1-based): chr16:2,050,415, T>G. VCF-style: chr16-2050415-T-G. GRCh37 (hg19) VCF-style: chr16-2100416-T-G.
Other names: c.154T>G, p.Cys52Gly (NM_001077183.3, NM_001114382.3, NM_001318827.2 and 13 more transcripts); c.7T>G, p.Cys3Gly (NM_001318829.2, NM_001406675.1, NM_001406676.1 and 2 more transcripts); c.-73T>G (NM_001318831.2, NM_001406682.1, NM_001406684.1 and 3 more transcripts); c.187T>G, p.Cys63Gly (NM_001318832.2); c.-663T>G (NM_001406680.1, NM_001406683.1, NM_001406687.1); c.-292T>G (NM_001406681.1); c.-1278T>G (NM_001406689.1, NM_001406690.1, NM_001406691.1 and 2 more transcripts); c.-1584T>G (NM_001406693.1); and 3 more; short protein forms C52G, C3G, C63G.
Identifiers: ClinVar variation 2626422 (VCV002626422.2), dbSNP rs2084958377, ClinGen allele CA394303166.

ClinVar aggregate classification (germline): Uncertain significance (1 of 4 stars; one submission).

Conditions:
Hereditary cancer-predisposing syndrome. Also called: Tumor predisposition; Hereditary Cancer Syndrome; Hereditary neoplastic syndrome; Neoplastic Syndromes, Hereditary. Identifiers: Orphanet 140162, MedGen C0027672, MeSH D009386, MONDO:0015356.

Submission:

Ambry Genetics
Classification: Uncertain significance for Hereditary cancer-predisposing syndrome. Last evaluated: 2023-07-13. Review status: criteria provided, single submitter. Criteria: Ambry Variant Classification Scheme 2023. Collection method: clinical testing. Allele origin: germline.
Comment: The p.C52G variant (also known as c.154T>G), located in coding exon 2 of the TSC2 gene, results from a T to G substitution at nucleotide position 154. The cysteine at codon 52 is replaced by glycine, an amino acid with highly dissimilar properties. This amino acid position is conserved. In addition, the in silico prediction for this alteration is inconclusive. Since supporting evidence is limited at this time, the clinical significance of this alteration remains unclear.